The following is an entry in ClinVar:

NM_153252.5(BRWD3):c.3073C>G (p.His1025Asp)

Gene: BRWD3 (bromodomain and WD repeat domain containing 3; minus strand). Cytogenetic location: Xq21.1.
Variant type: single nucleotide variant.
Coding change: c.3073C>G on transcript NM_153252.5 (MANE Select); coding-DNA position 3073, C replaced by G.
Protein change: p.His1025Asp; replaces histidine 1025 with aspartic acid.
Molecular consequence: missense variant.
Genome position (GRCh38, 1-based): chrX:80,695,986, G>C on the plus strand (C>G on the coding strand, the complement: BRWD3 is on the minus strand). VCF-style: chrX-80695986-G-C. GRCh37 (hg19) VCF-style: chrX-79951485-G-C.
Other names: short protein forms H1025D.
Identifiers: ClinVar variation 3363503 (VCV003363503.1).
Genomic context (GRCh38, chrX:80,695,986, plus strand): 5'-CTTTGGCTTCATTATAAAACTGATGTAGCACAAGGAAGTCAATGACATCCGGCATGTCAT[G>C]ATACCTATACAGAAAATAAAGCACATATGAATCAATATAGAGATATAACAATATATGTTA-3'
Protein context (NP_694984.5, residues 1015-1035): MTGESFSIKY[His1025Asp]DMPDVIDFLV

ClinVar aggregate classification (germline): Uncertain significance (1 of 4 stars; one submission).

Submission:

GeneDx
Classification: Uncertain significance. Last evaluated: 2023-10-26. Review status: criteria provided, single submitter. Criteria: GeneDx Variant Classification Process June 2021. Collection method: clinical testing. Allele origin: germline. Affected: yes.
Comment: Not observed at significant frequency in large population cohorts (gnomAD); In silico analysis supports that this missense variant has a deleterious effect on protein structure/function; Has not been previously published as pathogenic or benign to our knowledge